The following is an entry in ClinVar:

NM_007373.4(SHOC2):c.589C>G (p.Leu197Val)

Gene: SHOC2 (SHOC2 leucine rich repeat scaffold protein; plus strand). Cytogenetic location: 10q25.2.
Variant type: single nucleotide variant.
Coding change: c.589C>G on transcript NM_007373.4 (MANE Select); coding-DNA position 589, C replaced by G.
Protein change: p.Leu197Val; replaces leucine 197 with valine.
Molecular consequence: missense variant. On other transcripts: 5 prime UTR variant (1), non-coding transcript variant (1), intron variant (3).
Genome position (GRCh38, 1-based): chr10:110,964,947, C>G. VCF-style: chr10-110964947-C-G. GRCh37 (hg19) VCF-style: chr10-112724705-C-G.
Other names: c.589C>G, p.Leu197Val (NM_001269039.3, NM_001324336.2, NM_001324337.2 and 4 more transcripts); c.-198C>G (NM_001441188.1); c.-380-20681C>G (NM_001441190.1); c.-249-20681C>G (NM_001441191.1); c.-242-35468C>G (NM_001441189.1); short protein forms L197V.
Identifiers: ClinVar variation 5029552 (VCV005029552.1).

ClinVar aggregate classification (germline): Uncertain significance (1 of 4 stars; one submission).

Conditions:
Cardiovascular phenotype. Identifiers: MedGen CN230736.

gnomAD v4.1: 7 of 1,613,696 alleles (0.00043%); highest among the groups gnomAD compares: Non-Finnish European, 0.00059%; no homozygotes.

Submission:

Ambry Genetics
Classification: Uncertain significance for Cardiovascular phenotype. Last evaluated: 2026-07-26. Review status: criteria provided, single submitter. Criteria: Ambry Variant Classification Scheme 2023. Collection method: clinical testing. Allele origin: germline.
Comment: The p.L197V variant (also known as c.589C>G), located in coding exon 1 of the SHOC2 gene, results from a C to G substitution at nucleotide position 589. The leucine at codon 197 is replaced by valine, an amino acid with highly similar properties. This amino acid position is conserved. In addition, this alteration is predicted to be deleterious by in silico analysis. Based on the available evidence, the clinical significance of this variant remains unclear.